The following is an entry in ClinVar:

ClinVar aggregate classification (germline): Uncertain significance (1 of 4 stars; one submission).

Conditions:
Periodic fever-infantile enterocolitis-autoinflammatory syndrome. Also called: Autoinflammation with infantile enterocolitis. Identifiers: Orphanet 436166, MedGen C4015067, MONDO:0014472, OMIM 616050.
Familial cold autoinflammatory syndrome 4 (FCAS4). Identifiers: Orphanet 47045, Orphanet 576349, MedGen C4015276, MONDO:0014498, OMIM 616115.

Allele frequency attached by ClinVar (database versions not stated): gnomAD exomes below 0.00001; ExAC 0.00001.

Submission:

Labcorp Genetics (formerly Invitae), Labcorp
Classification: Uncertain significance for Periodic fever-infantile enterocolitis-autoinflammatory syndrome; Familial cold autoinflammatory syndrome 4. Last evaluated: 2019-08-13. Review status: criteria provided, single submitter. Criteria: Invitae Variant Classification Sherloc (09022015). Collection method: clinical testing. Allele origin: germline.
Comment: This variant is present in population databases (rs773132182, ExAC 0.01%). This sequence change replaces cysteine with arginine at codon 820 of the NLRC4 protein (p.Cys820Arg). The cysteine residue is highly conserved and there is a large physicochemical difference between cysteine and arginine. This variant has not been reported in the literature in individuals with NLRC4-related conditions. Algorithms developed to predict the effect of missense changes on protein structure and function output the following: SIFT: "Tolerated"; PolyPhen-2: "Benign"; Align-GVGD: "Class C0". The arginine amino acid residue is found in multiple mammalian species, suggesting that this missense change does not adversely affect protein function. These predictions have not been confirmed by published functional studies and their clinical significance is uncertain. In summary, the available evidence is currently insufficient to determine the role of this variant in disease. Therefore, it has been classified as a Variant of Uncertain Significance.

NM_001199138.2(NLRC4):c.2458T>C (p.Cys820Arg)

Gene: NLRC4 (NLR family CARD domain containing 4; minus strand). Cytogenetic location: 2p22.3.
Variant type: single nucleotide variant.
Coding change: c.2458T>C on transcript NM_001199138.2 (MANE Select); coding-DNA position 2458, T replaced by C.
Protein change: p.Cys820Arg; replaces cysteine 820 with arginine.
Molecular consequence: missense variant.
Genome position (GRCh38, 1-based): chr2:32,238,195, A>G on the plus strand (T>C on the coding strand, the complement: NLRC4 is on the minus strand). VCF-style: chr2-32238195-A-G. GRCh37 (hg19) VCF-style: chr2-32463264-A-G.
Other names: c.2458T>C, p.Cys820Arg (NM_001199139.2, NM_021209.5); c.463T>C, p.Cys155Arg (NM_001302504.2); short protein forms C155R, C820R.
Identifiers: ClinVar variation 940551 (VCV000940551.9), dbSNP rs773132182, ClinGen allele CA1601794.